The following is an entry in ClinVar:

NM_013275.6(ANKRD11):c.5285A>C (p.Asp1762Ala)

Gene: ANKRD11 (ankyrin repeat domain 11; minus strand). Cytogenetic location: 16q24.3.
Variant type: single nucleotide variant.
Coding change: c.5285A>C on transcript NM_013275.6 (MANE Select); coding-DNA position 5285, A replaced by C.
Protein change: p.Asp1762Ala; replaces aspartic acid 1762 with alanine.
Molecular consequence: missense variant.
Genome position (GRCh38, 1-based): chr16:89,281,257, T>G on the plus strand (A>C on the coding strand, the complement: ANKRD11 is on the minus strand). VCF-style: chr16-89281257-T-G. GRCh37 (hg19) VCF-style: chr16-89347665-T-G.
Other names: c.5285A>C, p.Asp1762Ala (NM_001256182.2, NM_001256183.2); short protein forms D1762A.
Identifiers: ClinVar variation 1311075 (VCV001311075.5), dbSNP rs2034211358, ClinGen allele CA397154853.

ClinVar aggregate classification (germline): Uncertain significance. Review status: criteria provided, multiple submitters, no conflicts (2 of 4 stars). 2 submissions from 2 submitters: Uncertain significance (2). Last evaluated 2023-07-31.

Conditions:
KBG syndrome (KBGS). Also called: ANKRD11-Related KBG Syndrome. Identifiers: Orphanet 2332, MedGen C0220687, MONDO:0007846, OMIM 148050.

Allele frequency attached by ClinVar (database versions not stated): TOPMed 0.00001.
gnomAD v4.1: 1 of 1,613,896 alleles (0.000062%); highest among the groups gnomAD compares: Non-Finnish European, 0.000085%; no homozygotes.

Submissions (2):

Labcorp Genetics (formerly Invitae), Labcorp
Classification: Uncertain significance for KBG syndrome. Last evaluated: 2023-07-31. Review status: criteria provided, single submitter. Criteria: Invitae Variant Classification Sherloc (09022015). Collection method: clinical testing. Allele origin: germline.
Comment: In summary, the available evidence is currently insufficient to determine the role of this variant in disease. Therefore, it has been classified as a Variant of Uncertain Significance. Advanced modeling of protein sequence and biophysical properties (such as structural, functional, and spatial information, amino acid conservation, physicochemical variation, residue mobility, and thermodynamic stability) performed at Invitae indicates that this missense variant is not expected to disrupt ANKRD11 protein function. ClinVar contains an entry for this variant (Variation ID: 1311075). This variant has not been reported in the literature in individuals affected with ANKRD11-related conditions. This variant is not present in population databases (gnomAD no frequency). This sequence change replaces aspartic acid, which is acidic and polar, with alanine, which is neutral and non-polar, at codon 1762 of the ANKRD11 protein (p.Asp1762Ala).

GeneDx
Classification: Uncertain significance. Last evaluated: 2019-12-09. Review status: criteria provided, single submitter. Criteria: GeneDx Variant Classification Process June 2021. Collection method: clinical testing. Allele origin: germline. Affected: yes.
Comment: Not observed in large population cohorts (Lek et al., 2016); In silico analysis, which includes protein predictors and evolutionary conservation, supports a deleterious effect; Has not been previously published as pathogenic or benign to our knowledge